The following is an entry in ClinVar:

ClinVar aggregate classification (germline): Uncertain significance (1 of 4 stars; one submission).

Allele frequency attached by ClinVar (database versions not stated): gnomAD exomes below 0.00001.
gnomAD v4.1: 3 of 1,585,250 alleles (0.00019%); highest among the groups gnomAD compares: Non-Finnish European, 0.00026%; no homozygotes.

Submission:

Labcorp Genetics (formerly Invitae), Labcorp
Classification: Uncertain significance. Last evaluated: 2023-12-27. Review status: criteria provided, single submitter. Criteria: Invitae Variant Classification Sherloc (09022015). Collection method: clinical testing. Allele origin: germline.
Comment: This sequence change falls in intron 23 of the GUCY2C gene. It does not directly change the encoded amino acid sequence of the GUCY2C protein. This variant is present in population databases (no rsID available, gnomAD 0.0009%). This variant has not been reported in the literature in individuals affected with GUCY2C-related conditions. Algorithms developed to predict the effect of sequence changes on RNA splicing suggest that this variant may disrupt the consensus splice site. In summary, the available evidence is currently insufficient to determine the role of this variant in disease. Therefore, it has been classified as a Variant of Uncertain Significance.

NM_004963.4(GUCY2C):c.2777-5T>C

Genes: GUCY2C (guanylate cyclase 2C; minus strand), PLBD1-AS1 (PLBD1 antisense RNA 1; plus strand). Cytogenetic location: 12p12.3.
Variant type: single nucleotide variant.
Coding change: c.2777-5T>C on transcript NM_004963.4 (MANE Select); 5 bases into the intron before coding-DNA position 2777, T replaced by C.
Molecular consequence: intron variant. On other transcripts: non-coding transcript variant (1).
Genome position (GRCh38, 1-based): chr12:14,619,314, A>G on the plus strand (T>C on the coding strand, the complement: GUCY2C is on the minus strand). VCF-style: chr12-14619314-A-G. GRCh37 (hg19) VCF-style: chr12-14772248-A-G.
Identifiers: ClinVar variation 2800905 (VCV002800905.3), dbSNP rs1279864145, ClinGen allele CA478708413.
Genomic context (GRCh38, chr12:14,619,314, plus strand): 5'-TCCAAATAGACAATAACGAGGCATCTTGATTCCCACAACTCCAGCAGCACAGGGACCTGA[A>G]ATGAAGGACAGAAAGCAGGAAGTGGAGGCAATAGAAATTGCAGAGTAGAGTGAAGACAGG-3'